The following is an entry in ClinVar:

NM_003722.5(TP63):c.1034G>T (p.Cys345Phe)

Gene: TP63 (tumor protein p63; plus strand). Cytogenetic location: 3q28.
Variant type: single nucleotide variant.
Coding change: c.1034G>T on transcript NM_003722.5 (MANE Select); coding-DNA position 1034, G replaced by T.
Protein change: p.Cys345Phe; replaces cysteine 345 with phenylalanine.
Molecular consequence: missense variant.
Genome position (GRCh38, 1-based): chr3:189,868,621, G>T. VCF-style: chr3-189868621-G-T. GRCh37 (hg19) VCF-style: chr3-189586410-G-T.
Other names: c.1034G>T, p.Cys345Phe (NM_001114978.2, NM_001114979.2, NM_001329144.2 and 1 more transcripts); c.752G>T, p.Cys251Phe (NM_001114980.2, NM_001114981.2, NM_001114982.2 and 2 more transcripts); c.497G>T, p.Cys166Phe (NM_001329146.2, NM_001329150.2); c.1028G>T, p.Cys343Phe (NM_001329964.2); short protein forms C166F, C251F, C343F, C345F.
Identifiers: ClinVar variation 2635464 (VCV002635464.1), dbSNP rs2108806372, ClinGen allele CA355755174.
Genomic context (GRCh38, chr3:189,868,621, plus strand): 5'-CCTTTATTCTAATTCCTAGTGGGCAAGTCCTGGGCCGACGCTGCTTTGAGGCCCGGATCT[G>T]TGCTTGCCCAGGAAGAGACAGGAAGGCGGATGAAGATAGCATCAGAAAGCAGCAAGTTTC-3'
Protein context (NP_003713.3, residues 335-355): LGRRCFEARI[Cys345Phe]ACPGRDRKAD

ClinVar aggregate classification (germline): Uncertain significance (1 of 4 stars; one submission).

Conditions:
TP63-related disorder. Also called: TP63-related condition; TP63-Related Disorders. Identifiers: MedGen CN380159.

Submission:

PreventionGenetics, part of Exact Sciences
Classification: Uncertain significance for TP63-related condition. Last evaluated: 2022-11-23. Review status: criteria provided, single submitter. Criteria: ACMG Guidelines, 2015. Collection method: clinical testing. Allele origin: germline.
Comment: The TP63 c.1034G>T variant is predicted to result in the amino acid substitution p.Cys345Phe. To our knowledge, this variant has not been reported in the literature or in a large population database, indicating this variant is rare. Two different variants affecting the same amino acid (p.Cys345Tyr and Cys345Arg) were reported to be associated with EEC syndrome ( reported as Cys306Tyr in Lehmann et al. 2005. PubMed ID: 15889277; reported as Cys306Arg in Celli et al. 1999. PubMed ID: 10535733). This variant could be pathogenic. However, at this time, the clinical significance of this variant is uncertain due to the absence of conclusive functional and genetic evidence.